The following is an entry in ClinVar:

NM_007294.4(BRCA1):c.184C>A (p.Pro62Thr)

Gene: BRCA1 (BRCA1 DNA repair associated; minus strand). Cytogenetic location: 17q21.31.
Variant type: single nucleotide variant.
Coding change: c.184C>A on transcript NM_007294.4 (MANE Select); coding-DNA position 184, C replaced by A.
Protein change: p.Pro62Thr; replaces proline 62 with threonine.
Molecular consequence: missense variant. On other transcripts: non-coding transcript variant (1).
Genome position (GRCh38, 1-based): chr17:43,106,484, G>T on the plus strand (C>A on the coding strand, the complement: BRCA1 is on the minus strand). VCF-style: chr17-43106484-G-T. GRCh37 (hg19) VCF-style: chr17-41258501-G-T.
Other names: c.-5C>A (NM_001407571.1, NM_001407853.1, NM_001407879.1 and 58 more transcripts); c.184C>A, p.Pro62Thr (NM_001407581.1, NM_001407582.1, NM_001407583.1 and 168 more transcripts); c.43C>A, p.Pro15Thr (NM_001407692.1, NM_001407694.1, NM_001407695.1 and 99 more transcripts); short protein forms P15T, P62T.
Identifiers: ClinVar variation 868254 (VCV000868254.3), dbSNP rs2054779515, ClinGen allele CA10601796.

Conditions:
Breast-ovarian cancer, familial, susceptibility to, 1 (BROVCA1). Also called: BRCA1 Hereditary Breast and Ovarian Cancer; OVARIAN CANCER, SUSCEPTIBILITY TO. Identifiers: Orphanet 145, MedGen C2676676, MONDO:0011450, OMIM 604370. Disease mechanism: loss of function.

Submission:

Brotman Baty Institute, University of Washington
No classification provided (evidence only). Condition: Breast-ovarian cancer, familial 1. Review status: no classification provided. Collection method: in vitro. Allele origin: not applicable. Functional consequence: function_uncertain_variant.
ClinVar note: "not provided" was previously submitted as the classification for the variant. However, the classification appeared to be based only on an observation of functional data so it was converted to no classification on 2025-07-30.